The following is an entry in ClinVar:

NM_032436.4(CHAMP1):c.755C>T (p.Ala252Val)

Gene: CHAMP1 (chromosome alignment maintaining phosphoprotein 1; plus strand). Cytogenetic location: 13q34.
Variant type: single nucleotide variant.
Coding change: c.755C>T on transcript NM_032436.4 (MANE Select); coding-DNA position 755, C replaced by T.
Protein change: p.Ala252Val; replaces alanine 252 with valine.
Molecular consequence: missense variant.
Genome position (GRCh38, 1-based): chr13:114,324,597, C>T. VCF-style: chr13-114324597-C-T. GRCh37 (hg19) VCF-style: chr13-115090072-C-T.
Other names: c.755C>T, p.Ala252Val (NM_001164144.3, NM_001164145.3); c.755C>T (NM_001164145.2); short protein forms A252V.
Identifiers: ClinVar variation 445741 (VCV000445741.8), dbSNP rs114331585, ClinGen allele CA7070679.

ClinVar aggregate classification (germline): Benign/Likely benign. Review status: criteria provided, multiple submitters, no conflicts (2 of 4 stars). 3 submissions from 3 submitters: Benign (1); Likely benign (1). 1 of the submissions does not count toward it. Last evaluated 2019-12-31.

Conditions:
CHAMP1-related disorder. Also called: CHAMP1-related condition.

Allele frequency attached by ClinVar (database versions not stated): gnomAD exomes 0.00016 and 0.00055; ExAC 0.00073; ESP Exome Variant Server 0.00138; gnomAD 0.00226 and 0.00237; TOPMed 0.00230; 1000 Genomes Project 0.00439; 1000 Genomes Project 30x 0.00468.
gnomAD v4.1: 581 of 1,614,182 alleles (0.036%); highest among the groups gnomAD compares: African/African-American, 0.73%; 3 homozygotes.

Submissions (3):

Labcorp Genetics (formerly Invitae), Labcorp
Classification: Benign. Last evaluated: 2019-12-31. Review status: criteria provided, single submitter. Criteria: Invitae Variant Classification Sherloc (09022015). Collection method: clinical testing. Allele origin: germline.

Center for Pediatric Genomic Medicine, Children's Mercy Hospital and Clinics
Classification: Likely benign. Last evaluated: 2017-08-24. Review status: criteria provided, single submitter. Criteria: ACMG Guidelines, 2015. Collection method: clinical testing. Allele origin: germline.

PreventionGenetics, part of Exact Sciences
Classification: Benign for CHAMP1-related condition. Last evaluated: 2019-04-11. Review status: no assertion criteria provided. Collection method: clinical testing. Allele origin: germline. Not counted in ClinVar's aggregate classification.
Comment: This variant is classified as benign based on ACMG/AMP sequence variant interpretation guidelines (Richards et al. 2015 PMID: 25741868, with internal and published modifications).